The following is an entry in ClinVar:

ClinVar aggregate classification (germline): Pathogenic (1 of 4 stars; one submission).

Conditions:
Hereditary spastic paraplegia 4. Also called: Spastic paraplegia 4, autosomal dominant; Familial spastic paraplegia autosomal dominant 2; Spastic Paraplegia 4. Identifiers: Orphanet 100985, MedGen C1866855, MONDO:0008438, OMIM 182601.

Submission:

Labcorp Genetics (formerly Invitae), Labcorp
Classification: Pathogenic for Spastic paraplegia 4, autosomal dominant. Last evaluated: 2018-03-05. Review status: criteria provided, single submitter. Criteria: Invitae Variant Classification Sherloc (09022015). Collection method: clinical testing. Allele origin: germline.
Comment: This sequence change creates a premature translational stop signal (p.Gln141Argfs*19) in the SPAST gene. It is expected to result in an absent or disrupted protein product. This variant is not present in population databases (ExAC no frequency). This variant has been reported in individuals affected with hereditary spastic paraplegia (PMID: 24451228). Loss-of-function variants in SPAST are known to be pathogenic (PMID: 20932283). For these reasons, this variant has been classified as Pathogenic.

Literature cited by the submitters: PubMed 24451228.

NM_014946.4(SPAST):c.422_425del (p.Gln141fs)

Gene: SPAST (spastin; plus strand). Cytogenetic location: 2p22.3.
Variant type: Deletion.
Coding change: c.422_425del on transcript NM_014946.4 (MANE Select); coding-DNA positions 422 to 425, 4 bases deleted (AGAA; older notation c.422_425delAGAA).
Protein change: p.Gln141fs; shifts the reading frame from glutamine 141.
Molecular consequence: frameshift variant.
Genome position (GRCh38, 1-based): chr2:32,087,498-32,087,501, AGAA deleted. VCF-style (leftmost placement, unchanged base first): chr2-32087497-CAGAA-C. GRCh37 (hg19) VCF-style: chr2-32312566-CAGAA-C.
Other names: c.419_422del, p.Gln140fs (NM_001363823.2, NM_001363875.2); c.422_425del, p.Gln141fs (NM_001377959.1, NM_199436.2); c.422_425delAGAA (NM_014946.3); short protein forms Q140fs, Q141fs.
Identifiers: ClinVar variation 468572 (VCV000468572.1), dbSNP rs1553399472, ClinGen allele CA658657015.